The following is an entry in ClinVar:

ClinVar aggregate classification (germline): Uncertain significance (1 of 4 stars; one submission).

Submission:

Women's Health and Genetics/Laboratory Corporation of America, LabCorp
Classification: Uncertain significance. Last evaluated: 2025-03-24. Review status: criteria provided, single submitter. Criteria: LabCorp Variant Classification Summary - May 2015. Collection method: clinical testing. Allele origin: germline.
Comment: Variant summary: DYNC1H1 c.1052A>G (p.Asp351Gly) results in a non-conservative amino acid change in the encoded protein sequence. Three of five in-silico tools predict a damaging effect of the variant on protein function. The variant was absent in 251434 control chromosomes. The available data on variant occurrences in the general population are insufficient to allow any conclusion about variant significance. To our knowledge, no occurrence of c.1052A>G in individuals affected with Charcot-Marie-Tooth disease axonal type 2O and no experimental evidence demonstrating its impact on protein function have been reported. No submitters have cited clinical-significance assessments for this variant to ClinVar. Based on the evidence outlined above, the variant was classified as uncertain significance.

NM_001376.5(DYNC1H1):c.1052A>G (p.Asp351Gly)

Gene: DYNC1H1 (dynein cytoplasmic 1 heavy chain 1; plus strand). Cytogenetic location: 14q32.31.
Variant type: single nucleotide variant.
Coding change: c.1052A>G on transcript NM_001376.5 (MANE Select); coding-DNA position 1052, A replaced by G.
Protein change: p.Asp351Gly; replaces aspartic acid 351 with glycine.
Molecular consequence: missense variant.
Genome position (GRCh38, 1-based): chr14:101,983,109, A>G. VCF-style: chr14-101983109-A-G. GRCh37 (hg19) VCF-style: chr14-102449446-A-G.
Other names: short protein forms D351G.
Identifiers: ClinVar variation 3896004 (VCV003896004.1).